The following is an entry in ClinVar:

ClinVar aggregate classification (germline): Uncertain significance (1 of 4 stars; one submission).

Submission:

Labcorp Genetics (formerly Invitae), Labcorp
Classification: Uncertain significance. Last evaluated: 2025-01-23. Review status: criteria provided, single submitter. Criteria: Invitae Variant Classification Sherloc (09022015). Collection method: clinical testing. Allele origin: germline.
Comment: This sequence change creates a premature translational stop signal (p.Cys864Alafs*3) in the ITGAM gene. It is expected to result in an absent or disrupted protein product. However, the current clinical and genetic evidence is not sufficient to establish whether loss-of-function variants in ITGAM cause disease. This variant is not present in population databases (gnomAD no frequency). This variant has not been reported in the literature in individuals affected with ITGAM-related conditions. In summary, the available evidence is currently insufficient to determine the role of this variant in disease. Therefore, it has been classified as a Variant of Uncertain Significance.

NM_000632.4(ITGAM):c.2590del (p.Cys864fs)

Gene: ITGAM (integrin subunit alpha M; plus strand). Cytogenetic location: 16p11.2.
Variant type: Deletion.
Coding change: c.2590del on transcript NM_000632.4 (MANE Select); coding-DNA position 2590, one base deleted (T; older notation c.2590delT).
Protein change: p.Cys864fs; shifts the reading frame from cysteine 864.
Molecular consequence: frameshift variant.
Genome position (GRCh38, 1-based): chr16:31,325,584, T deleted. VCF-style (leftmost placement, unchanged base first): chr16-31325583-CT-C. GRCh37 (hg19) VCF-style: chr16-31336904-CT-C.
Other names: c.2593del, p.Cys865fs (NM_001145808.2); short protein forms C864fs, C865fs.
Identifiers: ClinVar variation 3603598 (VCV003603598.2).
Genomic context (GRCh38, chr16:31,325,583, plus strand): 5'-GCGCCTGGCCTGTGAGTCTGCCTCCTCCACCGAAGTGTCTGGGGCCTTGAAGAGCACCAG[CT>C]GCAGCATAAACCACCCCATCTTCCCGGAAAACTCAGAGGTCAGAACTCCTGGCTCCTCCC-3'